The following is an entry in ClinVar:

NM_207122.2(EXT2):c.1144C>T (p.Gln382Ter)

Gene: EXT2 (exostosin glycosyltransferase 2; plus strand). Cytogenetic location: 11p11.2.
Variant type: single nucleotide variant.
Coding change: c.1144C>T on transcript NM_207122.2 (MANE Select); coding-DNA position 1144, C replaced by T.
Protein change: p.Gln382Ter; replaces glutamine 382 with a stop codon.
Molecular consequence: nonsense.
Genome position (GRCh38, 1-based): chr11:44,130,109, C>T. VCF-style: chr11-44130109-C-T. GRCh37 (hg19) VCF-style: chr11-44151659-C-T.
Other names: c.1243C>T, p.Gln415Ter (NM_000401.3); c.1144C>T, p.Gln382Ter (NM_001178083.3, NM_001389628.1, NM_001389630.1); short protein forms Q382*, Q415*.
Identifiers: ClinVar variation 950526 (VCV000950526.9), dbSNP rs1954470670, ClinGen allele CA380170412.

ClinVar aggregate classification (germline): Pathogenic. Review status: criteria provided, multiple submitters, no conflicts (2 of 4 stars). 2 submissions from 2 submitters: Pathogenic (2). Last evaluated 2025-05-30.

Conditions:
Exostoses, multiple, type 2 (EXT2). Also called: Hereditary Multiple Osteochondromatosis, Type II; EXOSTOSES, MULTIPLE, TYPE II. Identifiers: Orphanet 321, MedGen C1851413, MONDO:0007586, OMIM 133701.

Submissions (2):

GeneDx
Classification: Pathogenic. Last evaluated: 2025-05-30. Review status: criteria provided, single submitter. Criteria: GeneDx Variant Classification Process June 2021. Collection method: clinical testing. Allele origin: germline. Affected: yes.
Comment: Nonsense variant predicted to result in protein truncation or nonsense mediated decay in a gene for which loss-of-function is a known mechanism of disease; Not observed at significant frequency in large population cohorts (gnomAD); Has not been previously published as pathogenic or benign to our knowledge

Labcorp Genetics (formerly Invitae), Labcorp
Classification: Pathogenic for Exostoses, multiple, type 2. Last evaluated: 2024-08-23. Review status: criteria provided, single submitter. Criteria: Invitae Variant Classification Sherloc (09022015). Collection method: clinical testing. Allele origin: germline.
Comment: This sequence change creates a premature translational stop signal (p.Gln382*) in the EXT2 gene. It is expected to result in an absent or disrupted protein product. Loss-of-function variants in EXT2 are known to be pathogenic (PMID: 10679937, 19810120). This variant is not present in population databases (gnomAD no frequency). This variant has not been reported in the literature in individuals affected with EXT2-related conditions. Invitae Evidence Modeling of clinical and family history, age, sex, and reported ancestry of multiple individuals with this EXT2 variant has been performed. This variant is expected to be pathogenic with a positive predictive value of at least 99%. This is a validated machine learning model that incorporates the clinical features of 50,122 individuals referred to our laboratory for EXT2 testing. ClinVar contains an entry for this variant (Variation ID: 950526). For these reasons, this variant has been classified as Pathogenic.

Literature cited by the submitters: PubMed 10679937 (cited by Labcorp Genetics (formerly Invitae), Labcorp); PubMed 19810120 (cited by Labcorp Genetics (formerly Invitae), Labcorp).